The following is an entry in ClinVar:

NM_000414.4(HSD17B4):c.220+26A>G

Gene: HSD17B4 (hydroxysteroid 17-beta dehydrogenase 4; plus strand). Cytogenetic location: 5q23.1.
Variant type: single nucleotide variant.
Coding change: c.220+26A>G on transcript NM_000414.4 (MANE Select); 26 bases into the intron after coding-DNA position 220, A replaced by G.
Molecular consequence: intron variant.
Genome position (GRCh38, 1-based): chr5:119,474,041, A>G. VCF-style: chr5-119474041-A-G. GRCh37 (hg19) VCF-style: chr5-118809736-A-G.
Other names: p.?; c.-192+21A>G (NM_001374503.1, NM_001374502.1); c.295+26A>G (NM_001199291.3); c.-61+26A>G (NM_001374499.1); c.-319+26A>G (NM_001374500.1); c.-192+26A>G (NM_001374501.1, NM_001292028.2); c.148+26A>G (NM_001292027.2); c.220+26A>G (NM_001374498.1, NM_001374497.1); and 1 more.
Identifiers: ClinVar variation 1207262 (VCV001207262.4), dbSNP rs183348210, ClinGen allele CA3381718.

ClinVar aggregate classification (germline): Benign/Likely benign. Review status: criteria provided, multiple submitters, no conflicts (2 of 4 stars). 2 submissions from 2 submitters: Benign (1); Likely benign (1). Last evaluated 2025-08-12.

Allele frequency attached by ClinVar (database versions not stated): gnomAD exomes 0.00045 and 0.00015; 1000 Genomes Project 30x 0.00125; 1000 Genomes Project 0.00100; TOPMed 0.00177; ESP Exome Variant Server 0.00231; ExAC 0.00082; gnomAD 0.00159 and 0.00173.
gnomAD v4.1: 402 of 1,193,120 alleles (0.034%); highest among the groups gnomAD compares: African/African-American, 0.5%; 2 homozygotes.

Submissions (2):

Mayo Clinic Laboratories, Mayo Clinic
Classification: Benign. Last evaluated: 2025-08-12. Review status: criteria provided, single submitter. Criteria: ACMG Guidelines, 2015. Collection method: clinical testing. Allele origin: germline. Observed: 1 variant allele.
Comment: BA1, BP4, BP7

GeneDx
Classification: Likely benign. Last evaluated: 2020-08-25. Review status: criteria provided, single submitter. Criteria: GeneDx Variant Classification Process June 2021. Collection method: clinical testing. Allele origin: germline. Affected: yes.